The following is an entry in ClinVar:

NM_005202.4(COL8A2):c.1137T>C (p.Gly379=)

Gene: COL8A2 (collagen type VIII alpha 2 chain; minus strand). Cytogenetic location: 1p34.3.
Variant type: single nucleotide variant.
Coding change: c.1137T>C on transcript NM_005202.4 (MANE Select); coding-DNA position 1137, T replaced by C.
Protein change: p.Gly379=; no amino-acid change (glycine 379 retained).
Molecular consequence: synonymous variant.
Genome position (GRCh38, 1-based): chr1:36,098,544, A>G on the plus strand (T>C on the coding strand, the complement: COL8A2 is on the minus strand). VCF-style: chr1-36098544-A-G. GRCh37 (hg19) VCF-style: chr1-36564145-A-G.
Other names: c.942T>C, p.Gly314= (NM_001294347.2); c.1137T>C (NM_005202.3).
Identifiers: ClinVar variation 1186921 (VCV001186921.7), dbSNP rs77385288, ClinGen allele CA764989.

ClinVar aggregate classification (germline): Benign/Likely benign. Review status: criteria provided, multiple submitters, no conflicts (2 of 4 stars). 4 submissions from 4 submitters: Benign (2); Likely benign (2). Last evaluated 2025-08-19.

Conditions:
COL8A2-related disorder. Also called: COL8A2-related condition.

Allele frequency attached by ClinVar (database versions not stated): gnomAD exomes 0.00058 and 0.00132; ExAC 0.00244; 1000 Genomes Project 0.00479; ESP Exome Variant Server 0.00495; 1000 Genomes Project 30x 0.00547; gnomAD 0.00607 and 0.00661; TOPMed 0.00688.
gnomAD v4.1: 1,776 of 1,599,844 alleles (0.11%); highest among the groups gnomAD compares: African/African-American, 2.2%; 13 homozygotes.

Submissions (4):

Labcorp Genetics (formerly Invitae), Labcorp
Classification: Benign. Last evaluated: 2025-08-19. Review status: criteria provided, single submitter. Criteria: Invitae Variant Classification Sherloc (09022015). Collection method: clinical testing. Allele origin: germline.

PreventionGenetics, part of Exact Sciences
Classification: Benign for COL8A2-related condition. Last evaluated: 2025-05-15. Review status: criteria provided, single submitter. Criteria: ACMG Guidelines, 2015. Collection method: clinical testing. Allele origin: germline.
Comment: This variant is classified as benign based on ACMG/AMP sequence variant interpretation guidelines (Richards et al. 2015 PMID: 25741868, with internal and published modifications).

Blueprint Genetics
Classification: Likely benign. Last evaluated: 2024-09-12. Review status: criteria provided, single submitter. Criteria: ACMG Guidelines, 2015. Collection method: clinical testing. Allele origin: germline.

GeneDx
Classification: Likely benign. Last evaluated: 2021-06-13. Review status: criteria provided, single submitter. Criteria: GeneDx Variant Classification Process June 2021. Collection method: clinical testing. Allele origin: germline. Affected: yes.